The following is an entry in ClinVar:

ClinVar aggregate classification (germline): Uncertain significance (1 of 4 stars; one submission).

gnomAD v4.1: 5 of 1,614,186 alleles (0.00031%); highest among the groups gnomAD compares: South Asian, 0.0055%; no homozygotes.

Submission:

GeneDx
Classification: Uncertain significance. Last evaluated: 2024-10-24. Review status: criteria provided, single submitter. Criteria: GeneDx Variant Classification Process June 2021. Collection method: clinical testing. Allele origin: germline. Affected: yes.
Comment: Not observed at significant frequency in large population cohorts (gnomAD); In silico analysis indicates that this missense variant does not alter protein structure/function; Has not been previously published as pathogenic or benign to our knowledge

NM_001378454.1(ALMS1):c.8065G>A (p.Val2689Met)

Gene: ALMS1 (ALMS1 centrosome and basal body associated protein; plus strand). Cytogenetic location: 2p13.1.
Variant type: single nucleotide variant.
Coding change: c.8065G>A on transcript NM_001378454.1 (MANE Select); coding-DNA position 8065, G replaced by A.
Protein change: p.Val2689Met; replaces valine 2689 with methionine.
Molecular consequence: missense variant.
Genome position (GRCh38, 1-based): chr2:73,490,024, G>A. VCF-style: chr2-73490024-G-A. GRCh37 (hg19) VCF-style: chr2-73717151-G-A.
Other names: c.8068G>A, p.Val2690Met (NM_015120.4); short protein forms V2689M, V2690M.
Identifiers: ClinVar variation 3893426 (VCV003893426.1).